The following is an entry in ClinVar:

NM_004380.3(CREBBP):c.3270dup (p.Arg1091fs)

Gene: CREBBP (CREB binding lysine acetyltransferase; minus strand). Cytogenetic location: 16p13.3.
Variant type: Duplication.
Coding change: c.3270dup on transcript NM_004380.3 (MANE Select); coding-DNA position 3270, one base duplicated (A; older notation c.3270dupA).
Protein change: p.Arg1091fs; shifts the reading frame from arginine 1091.
Molecular consequence: frameshift variant.
Genome position (GRCh38, 1-based): chr16:3,758,953, T duplicated on the plus strand (A on the coding strand, the reverse complement: CREBBP is on the minus strand). VCF-style (leftmost placement, unchanged base first): chr16-3758952-G-GT. GRCh37 (hg19) VCF-style: chr16-3808953-G-GT.
Other names: c.3156dup, p.Arg1053fs (NM_001079846.1); short protein forms R1053fs, R1091fs.
Identifiers: ClinVar variation 3062240 (VCV003062240.1), dbSNP rs2548393816, ClinGen allele CA645593146.

ClinVar aggregate classification (germline): Likely pathogenic (1 of 4 stars; one submission).

Conditions:
Rubinstein-Taybi syndrome due to CREBBP mutations (RSTS1). Also called: BROAD THUMBS AND GREAT TOES, CHARACTERISTIC FACIES, AND IMPAIRED INTELLECTUAL DEVELOPMENT; BROAD THUMB-HALLUX SYNDROME; CREBBP-Related Rubinstein-Taybi Syndrome; RUBINSTEIN-TAYBI SYNDROME 1, INCOMPLETE; RUBINSTEIN SYNDROME; Rubinstein-Taybi syndrome 1. Identifiers: Orphanet 353277, Orphanet 783, MedGen C4551859, MONDO:0008393, OMIM 180849.

Submission:

Molecular Genetics Department, Kulakov National Medical Research Center for Obstetrics, Gynecology and Perinatology
Classification: Likely pathogenic for Rubinstein-Taybi syndrome due to CREBBP mutations. Review status: criteria provided, single submitter. Criteria: ACMG Guidelines, 2015. Collection method: clinical testing. Allele origin: germline. Affected: yes.
Comment: A previously undescribed nucleotide variant creates a frameshift p.Arg1091ThrfsTer37 in the CREBBP gene. Loss-of-function variants are reported in patients with Rubinstein-Taybi syndrome 1, 180849. The variant is not present in population database (gnomAD no frequency). In summary, the currently available evidence indicates that the variant is pathogenic, but additional data are needed to prove that conclusively. Therefore, this variant has been classified as likely pathogenic.